The following is an entry in ClinVar:

NM_005883.3(APC2):c.1657G>A (p.Val553Met)

Gene: APC2 (APC regulator of Wnt signaling pathway 2; plus strand). Cytogenetic location: 19p13.3.
Variant type: single nucleotide variant.
Coding change: c.1657G>A on transcript NM_005883.3 (MANE Select); coding-DNA position 1657, G replaced by A.
Protein change: p.Val553Met; replaces valine 553 with methionine.
Molecular consequence: missense variant.
Genome position (GRCh38, 1-based): chr19:1,461,981, G>A. VCF-style: chr19-1461981-G-A. GRCh37 (hg19) VCF-style: chr19-1461980-G-A.
Other names: c.1654G>A, p.Val552Met (NM_001351273.1); short protein forms V553M, V552M.
Identifiers: ClinVar variation 2173961 (VCV002173961.4), dbSNP rs375718755, ClinGen allele CA9045253.

ClinVar aggregate classification (germline): Uncertain significance (1 of 4 stars; one submission).

Allele frequency attached by ClinVar (database versions not stated): gnomAD 0.00003; TOPMed 0.00003; ExAC 0.00009; ESP Exome Variant Server 0.00015.
gnomAD v4.1: 56 of 1,612,180 alleles (0.0035%); highest among the groups gnomAD compares: East Asian, 0.02%; no homozygotes.

Submission:

Labcorp Genetics (formerly Invitae), Labcorp
Classification: Uncertain significance. Last evaluated: 2022-03-29. Review status: criteria provided, single submitter. Criteria: Invitae Variant Classification Sherloc (09022015). Collection method: clinical testing. Allele origin: germline.
Comment: In summary, the available evidence is currently insufficient to determine the role of this variant in disease. Therefore, it has been classified as a Variant of Uncertain Significance. Algorithms developed to predict the effect of missense changes on protein structure and function are either unavailable or do not agree on the potential impact of this missense change (SIFT: "Deleterious"; PolyPhen-2: "Possibly Damaging"; Align-GVGD: "Class C0"). This variant has not been reported in the literature in individuals affected with APC2-related conditions. This variant is present in population databases (rs375718755, gnomAD 0.008%). This sequence change replaces valine, which is neutral and non-polar, with methionine, which is neutral and non-polar, at codon 553 of the APC2 protein (p.Val553Met).